The following is an entry in ClinVar:

NM_000320.3(QDPR):c.*408C>T

Gene: QDPR (quinoid dihydropteridine reductase; minus strand). Cytogenetic location: 4p15.32.
Variant type: single nucleotide variant.
Coding change: c.*408C>T on transcript NM_000320.3 (MANE Select); 408 bases downstream of the stop codon, C replaced by T.
Molecular consequence: 3 prime UTR variant. On other transcripts: non-coding transcript variant (1).
Genome position (GRCh38, 1-based): chr4:17,486,723, G>A on the plus strand (C>T on the coding strand, the complement: QDPR is on the minus strand). VCF-style: chr4-17486723-G-A. GRCh37 (hg19) VCF-style: chr4-17488346-G-A.
Other names: c.*408C>T (NM_001306140.2).
Identifiers: ClinVar variation 348144 (VCV000348144.6), dbSNP rs1049601, ClinGen allele CA10618326.

ClinVar aggregate classification (germline): Benign. Review status: criteria provided, multiple submitters, no conflicts (2 of 4 stars). 2 submissions from 2 submitters: Benign (2). Last evaluated 2018-01-13.

Conditions:
Dihydropteridine reductase deficiency (HPABH4C). Also called: HYPERPHENYLALANINEMIA, TETRAHYDROBIOPTERIN-DEFICIENT, DUE TO DHPR DEFICIENCY; BH4-Deficient Hyperphenylalaninemia C; Hyperphenylalaninemia due to dihydropteridine reductase deficiency; Hyperphenylalaninemia, BH-4-deficient, C; Phenylketonuria type 2; DHPR DEFICIENCY. Identifiers: Orphanet 226, Orphanet 238583, MedGen C0268465, MONDO:0009862, OMIM 261630.

Allele frequency attached by ClinVar (database versions not stated): gnomAD 0.11146 and 0.10880; TOPMed 0.12149; gnomAD exomes 0.07271; 1000 Genomes Project 30x 0.19160; 1000 Genomes Project 0.19828.

Submissions (2):

Illumina Laboratory Services, Illumina
Classification: Benign for Dihydropteridine reductase deficiency. Last evaluated: 2018-01-13. Review status: criteria provided, single submitter. Criteria: ICSL Variant Classification Criteria 13 December 2019. Collection method: clinical testing. Allele origin: germline.
Comment: This variant was observed in the ICSL laboratory as part of a predisposition screen in an ostensibly healthy population. It had not been previously curated by ICSL or reported in the Human Gene Mutation Database (HGMD: prior to June 1st, 2018), and was therefore a candidate for classification through an automated scoring system. Utilizing variant allele frequency, disease prevalence and penetrance estimates, and inheritance mode, an automated score was calculated to assess if this variant is too frequent to cause the disease. Based on the score and internal cut-off values, a variant classified as benign is not then subjected to further curation. The score for this variant resulted in a classification of benign for this disease.

Breakthrough Genomics
Classification: Benign. Review status: criteria provided, single submitter. Criteria: ACMG Guidelines, 2015. Collection method: not provided. Allele origin: germline. Inheritance: Autosomal recessive inheritance. Affected: yes.